The following is an entry in ClinVar:

NM_001292063.2(OTOG):c.5084C>A (p.Thr1695Asn)

Gene: OTOG (otogelin; plus strand). Cytogenetic location: 11p15.1.
Variant type: single nucleotide variant.
Coding change: c.5084C>A on transcript NM_001292063.2 (MANE Select); coding-DNA position 5084, C replaced by A.
Protein change: p.Thr1695Asn; replaces threonine 1695 with asparagine.
Molecular consequence: missense variant.
Genome position (GRCh38, 1-based): chr11:17,610,384, C>A. VCF-style: chr11-17610384-C-A. GRCh37 (hg19) VCF-style: chr11-17631931-C-A.
Other names: c.5120C>A, p.Thr1707Asn (NM_001277269.2); short protein forms T1695N, T1707N.
Identifiers: ClinVar variation 3367530 (VCV003367530.1).

ClinVar aggregate classification (germline): Uncertain significance (1 of 4 stars; one submission).

gnomAD v4.1: 1 of 1,550,596 alleles (0.000064%); no homozygotes.

Submission:

GeneDx
Classification: Uncertain significance. Last evaluated: 2024-01-10. Review status: criteria provided, single submitter. Criteria: GeneDx Variant Classification Process June 2021. Collection method: clinical testing. Allele origin: germline. Affected: yes.
Comment: Not observed at significant frequency in large population cohorts (gnomAD); In silico analysis supports that this missense variant does not alter protein structure/function; Has not been previously published as pathogenic or benign to our knowledge